The following is an entry in ClinVar:

ClinVar aggregate classification (germline): Benign (0 of 4 stars; one submission).

Conditions:
C5-related disorder. Also called: C5-related condition.

Submission:

PreventionGenetics, part of Exact Sciences
Classification: Benign for C5-related condition. Last evaluated: 2019-07-10. Review status: no assertion criteria provided. Collection method: clinical testing. Allele origin: germline.
Comment: This variant is classified as benign based on ACMG/AMP sequence variant interpretation guidelines (Richards et al. 2015 PMID: 25741868, with internal and published modifications).

NM_001735.3(C5):c.2563-2285dup

Gene: C5 (complement C5; minus strand). Cytogenetic location: 9q33.2.
Variant type: Duplication.
Coding change: c.2563-2285dup on transcript NM_001735.3 (MANE Select); 2285 bases into the intron before coding-DNA position 2563, one base duplicated (T; older notation c.2563-2285dupT).
Molecular consequence: intron variant.
Genome position (GRCh38, 1-based): chr9:121,000,059, A duplicated on the plus strand (T on the coding strand, the reverse complement: C5 is on the minus strand); the first of 14 consecutive A bases (chr9:121,000,059-121,000,072); duplicating any one gives the same sequence. VCF-style (leftmost placement, unchanged base first): chr9-121000058-C-CA. GRCh37 (hg19) VCF-style: chr9-123762336-C-CA.
Other names: c.2581-2285dup (NM_001317163.2); c.2563-8dup (NM_001317164.2).
Identifiers: ClinVar variation 3060474 (VCV003060474.2), dbSNP rs56914253, ClinGen allele CA5217743.